The following is an entry in ClinVar:

ClinVar aggregate classification (germline): Uncertain significance (1 of 4 stars; one submission).

Submission:

CeGaT Center for Human Genetics Tuebingen
Classification: Uncertain significance. Last evaluated: 2024-12-01. Review status: criteria provided, single submitter. Criteria: CeGaT Center For Human Genetics Tuebingen Variant Classification Criteria Version 2. Collection method: clinical testing. Allele origin: germline. Affected: yes. Observed: 1 variant allele.
Comment: SOX10: PM2

NM_006941.4(SOX10):c.140G>T (p.Gly47Val)

Genes: POLR2F (RNA polymerase II, I and III subunit F; plus strand), SOX10 (SRY-box transcription factor 10; minus strand). Cytogenetic location: 22q13.1.
Variant type: single nucleotide variant.
Coding change: c.140G>T on transcript NM_006941.4 (MANE Select); coding-DNA position 140, G replaced by T.
Protein change: p.Gly47Val; replaces glycine 47 with valine.
Molecular consequence: missense variant. On other transcripts: intron variant (3).
Genome position (GRCh38, 1-based): chr22:37,983,645, C>A on the plus strand (G>T on the coding strand, the complement: SOX10 is on the minus strand). VCF-style: chr22-37983645-C-A. GRCh37 (hg19) VCF-style: chr22-38379652-C-A.
Other names: c.*38+11335C>A (NM_001363825.1); c.294-2509C>A (NM_001301130.2); c.293+16475C>A (NM_001301131.2); short protein forms G47V.
Identifiers: ClinVar variation 3771358 (VCV003771358.13).
Genomic context (GRCh38, chr22:37,983,645, plus strand): 5'-TTGTCATCGTCCGCCTCGCCGTCCTGCTGCTCCTTCTTGACCTTGCCCAGCTCGCCTGGC[C>A]CCGGGCTGGCTCGCAGGCCCGATCCGCCGCCGCCGCCGTCGGGCCCTAGCGAGGGCGCGC-3'
Protein context (NP_008872.1, residues 37-57): GGGSGLRASP[Gly47Val]PGELGKVKKE